The following is an entry in ClinVar:

ClinVar aggregate classification (germline): Uncertain significance (1 of 4 stars; one submission).

Allele frequency attached by ClinVar (database versions not stated): gnomAD exomes below 0.00001.
gnomAD v4.1: 1 of 1,613,990 alleles (0.000062%); highest among the groups gnomAD compares: African/African-American, 0.0013%; no homozygotes.

Submission:

Labcorp Genetics (formerly Invitae), Labcorp
Classification: Uncertain significance. Last evaluated: 2022-04-12. Review status: criteria provided, single submitter. Criteria: Invitae Variant Classification Sherloc (09022015). Collection method: clinical testing. Allele origin: germline.
Comment: In summary, the available evidence is currently insufficient to determine the role of this variant in disease. Therefore, it has been classified as a Variant of Uncertain Significance. Algorithms developed to predict the effect of missense changes on protein structure and function are either unavailable or do not agree on the potential impact of this missense change (SIFT: "Deleterious"; PolyPhen-2: "Probably Damaging"; Align-GVGD: "Class C0"). This variant has not been reported in the literature in individuals affected with VCAN-related conditions. This variant is not present in population databases (gnomAD no frequency). This sequence change replaces proline, which is neutral and non-polar, with serine, which is neutral and polar, at codon 3155 of the VCAN protein (p.Pro3155Ser).

NM_004385.5(VCAN):c.9463C>T (p.Pro3155Ser)

Genes: VCAN (versican; plus strand), VCAN-AS1 (VCAN antisense RNA 1; minus strand). Cytogenetic location: 5q14.3.
Variant type: single nucleotide variant.
Coding change: c.9463C>T on transcript NM_004385.5 (MANE Select); coding-DNA position 9463, C replaced by T.
Protein change: p.Pro3155Ser; replaces proline 3155 with serine.
Molecular consequence: missense variant.
Genome position (GRCh38, 1-based): chr5:83,548,054, C>T. VCF-style: chr5-83548054-C-T. GRCh37 (hg19) VCF-style: chr5-82843873-C-T.
Other names: c.1240C>T, p.Pro414Ser (NM_001126336.3); c.6502C>T, p.Pro2168Ser (NM_001164097.2); c.4201C>T, p.Pro1401Ser (NM_001164098.2); short protein forms P2168S, P3155S, P414S, P1401S.
Identifiers: ClinVar variation 2125318 (VCV002125318.4), dbSNP rs2479144002, ClinGen allele CA360297154.